The following is an entry in ClinVar:

ClinVar aggregate classification (germline): Uncertain significance (1 of 4 stars; one submission).

Conditions:
CACNA1D-related disorder.

Submission:

GeneDx
Classification: Uncertain significance. Last evaluated: 2020-10-27. Review status: criteria provided, single submitter. Criteria: GeneDx Variant Classification Process June 2021. Collection method: clinical testing. Allele origin: germline. Affected: yes.
Comment: Not observed in large population cohorts (Lek et al., 2016); In silico analysis supports that this missense variant has a deleterious effect on protein structure/function; Has not been previously published as pathogenic or benign to our knowledge

NM_001128840.3(CACNA1D):c.731T>G (p.Val244Gly)

Gene: CACNA1D (calcium voltage-gated channel subunit alpha1 D; plus strand). Cytogenetic location: 3p21.1.
Variant type: single nucleotide variant.
Coding change: c.731T>G on transcript NM_001128840.3 (MANE Select); coding-DNA position 731, T replaced by G.
Protein change: p.Val244Gly; replaces valine 244 with glycine.
Molecular consequence: missense variant.
Genome position (GRCh38, 1-based): chr3:53,660,240, T>G. VCF-style: chr3-53660240-T-G. GRCh37 (hg19) VCF-style: chr3-53694267-T-G.
Other names: c.731T>G, p.Val244Gly (NM_000720.4, NM_001128839.3); short protein forms V244G.
Identifiers: ClinVar variation 1313618 (VCV001313618.4), dbSNP rs2108327394, ClinGen allele CA353382691.
Genomic context (GRCh38, chr3:53,660,240, plus strand): 5'-GGAACCACTCAAGCGGCAAATCTGGAGGCTTTGATGTCAAAGCCCTCCGTGCCTTTCGAG[T>G]GTTGCGACCACTTCGACTAGTGTCAGGAGTGCCCAGTAAGCACTTATTGTTTCCTAGAGT-3'
Protein context (NP_001122312.1, residues 234-254): FDVKALRAFR[Val244Gly]LRPLRLVSGV